The following is an entry in ClinVar:

ClinVar aggregate classification (germline): Uncertain significance. Review status: criteria provided, multiple submitters, no conflicts (2 of 4 stars). 2 submissions from 2 submitters: Uncertain significance (2). Last evaluated 2022-08-26.

Allele frequency attached by ClinVar (database versions not stated): gnomAD exomes below 0.00001; ExAC 0.00001; gnomAD 0.00001; TOPMed 0.00001; 1000 Genomes Project 30x 0.00016; 1000 Genomes Project 0.00020.
gnomAD v4.1: 2 of 1,613,998 alleles (0.00012%); highest among the groups gnomAD compares: African/African-American, 0.0027%; no homozygotes.

Submissions (2):

Blueprint Genetics
Classification: Uncertain significance. Last evaluated: 2022-08-26. Review status: criteria provided, single submitter. Criteria: ACMG Guidelines, 2015. Collection method: clinical testing. Allele origin: germline.

Labcorp Genetics (formerly Invitae), Labcorp
Classification: Uncertain significance. Last evaluated: 2022-06-28. Review status: criteria provided, single submitter. Criteria: Invitae Variant Classification Sherloc (09022015). Collection method: clinical testing. Allele origin: germline.
Comment: This sequence change replaces serine, which is neutral and polar, with leucine, which is neutral and non-polar, at codon 712 of the USH2A protein (p.Ser712Leu). This variant is present in population databases (rs575411062, gnomAD 0.007%). This variant has not been reported in the literature in individuals affected with USH2A-related conditions. Algorithms developed to predict the effect of missense changes on protein structure and function are either unavailable or do not agree on the potential impact of this missense change (SIFT: "Deleterious"; PolyPhen-2: "Probably Damaging"; Align-GVGD: "Class C0"). In summary, the available evidence is currently insufficient to determine the role of this variant in disease. Therefore, it has been classified as a Variant of Uncertain Significance.

NM_206933.4(USH2A):c.2135C>T (p.Ser712Leu)

Gene: USH2A (usherin; minus strand). Cytogenetic location: 1q41.
Variant type: single nucleotide variant.
Coding change: c.2135C>T on transcript NM_206933.4 (MANE Select); coding-DNA position 2135, C replaced by T.
Protein change: p.Ser712Leu; replaces serine 712 with leucine.
Molecular consequence: missense variant.
Genome position (GRCh38, 1-based): chr1:216,250,935, G>A on the plus strand (C>T on the coding strand, the complement: USH2A is on the minus strand). VCF-style: chr1-216250935-G-A. GRCh37 (hg19) VCF-style: chr1-216424277-G-A.
Other names: c.2135C>T, p.Ser712Leu (NM_007123.6); short protein forms S712L.
Identifiers: ClinVar variation 1398049 (VCV001398049.4), dbSNP rs575411062, ClinGen allele CA1396301.